The following is an entry in ClinVar:

NM_001374736.1(DST):c.2852A>G (p.Tyr951Cys)

Gene: DST (dystonin; minus strand). Cytogenetic location: 6p12.1.
Variant type: single nucleotide variant.
Coding change: c.2852A>G on transcript NM_001374736.1 (MANE Select); coding-DNA position 2852, A replaced by G.
Protein change: p.Tyr951Cys; replaces tyrosine 951 with cysteine.
Molecular consequence: missense variant.
Genome position (GRCh38, 1-based): chr6:56,639,457, T>C on the plus strand (A>G on the coding strand, the complement: DST is on the minus strand). VCF-style: chr6-56639457-T-C. GRCh37 (hg19) VCF-style: chr6-56504255-T-C.
Other names: c.2753A>G, p.Tyr918Cys (NM_001144769.5); c.2339A>G, p.Tyr780Cys (NM_001144770.2); c.2852A>G, p.Tyr951Cys (NM_001374722.1); c.2219A>G, p.Tyr740Cys (NM_001374729.1, NM_001374730.1, NM_001386100.1 and 1 more transcripts); c.2879A>G, p.Tyr960Cys (NM_001374734.1); c.1241A>G, p.Tyr414Cys (NM_001723.7, NM_015548.5); short protein forms Y960C, Y414C, Y740C, Y951C, Y780C, Y918C.
Identifiers: ClinVar variation 2157036 (VCV002157036.26), dbSNP rs527702007, ClinGen allele CA3871318.

ClinVar aggregate classification (germline): Uncertain significance. Review status: criteria provided, multiple submitters, no conflicts (2 of 4 stars). 2 submissions from 2 submitters: Uncertain significance (2). Last evaluated 2024-01-01.

Conditions:
Hereditary sensory and autonomic neuropathy type 6. Also called: HSAN VI; Neuropathy, hereditary sensory and autonomic, type VI. Identifiers: Orphanet 314381, MedGen C3539003, MONDO:0013839, OMIM 614653.
Epidermolysis bullosa simplex 3, localized or generalized intermediate, with BP230 deficiency (EBS3). Also called: Epidermolysis bullosa simplex due to BP230 deficiency; Epidermolysis bullosa simplex, autosomal recessive 2. Identifiers: Orphanet 412181, MedGen C3809470, MONDO:0014180, OMIM 615425.

Allele frequency attached by ClinVar (database versions not stated): gnomAD exomes 0.00001; gnomAD 0.00003; ExAC 0.00005; 1000 Genomes Project 30x 0.00062; 1000 Genomes Project 0.00080.
gnomAD v4.1: 25 of 1,613,808 alleles (0.0015%); highest among the groups gnomAD compares: South Asian, 0.023%; no homozygotes.

Submissions (2):

CeGaT Center for Human Genetics Tuebingen
Classification: Uncertain significance. Last evaluated: 2024-01-01. Review status: criteria provided, single submitter. Criteria: CeGaT Center For Human Genetics Tuebingen Variant Classification Criteria Version 2. Collection method: clinical testing. Allele origin: germline. Affected: yes. Observed: 1 variant allele.
Comment: DST: PM2

Labcorp Genetics (formerly Invitae), Labcorp
Classification: Uncertain significance for Epidermolysis bullosa simplex 3, localized or generalized intermediate, with BP230 deficiency; Hereditary sensory and autonomic neuropathy type 6. Last evaluated: 2022-10-19. Review status: criteria provided, single submitter. Criteria: Invitae Variant Classification Sherloc (09022015). Collection method: clinical testing. Allele origin: germline.
Comment: This sequence change replaces tyrosine, which is neutral and polar, with cysteine, which is neutral and slightly polar, at codon 414 of the DST protein (p.Tyr414Cys). In summary, the available evidence is currently insufficient to determine the role of this variant in disease. Therefore, it has been classified as a Variant of Uncertain Significance. Algorithms developed to predict the effect of missense changes on protein structure and function (SIFT, PolyPhen-2, Align-GVGD) all suggest that this variant is likely to be disruptive. This variant has not been reported in the literature in individuals affected with DST-related conditions. This variant is present in population databases (rs527702007, gnomAD 0.03%).